The following is an entry in ClinVar:

NM_000059.4(BRCA2):c.9256+2T>A

Gene: BRCA2 (BRCA2 DNA repair associated; plus strand). Cytogenetic location: 13q13.1.
Variant type: single nucleotide variant.
Coding change: c.9256+2T>A on transcript NM_000059.4 (MANE Select); the canonical splice donor site of the intron after coding-DNA position 9256, T replaced by A.
Molecular consequence: splice donor variant.
Genome position (GRCh38, 1-based): chr13:32,380,147, T>A. VCF-style: chr13-32380147-T-A. GRCh37 (hg19) VCF-style: chr13-32954284-T-A.
Other names: c.9205+2T>A (NM_001406720.1); c.9160+2T>A (NM_001406719.1); c.4324+2T>A (NM_001406721.1); c.2839+2T>A (NM_001406722.1).
Identifiers: ClinVar variation 2566009 (VCV002566009.2), dbSNP rs1555288591, ClinGen allele CA387758744.

ClinVar aggregate classification (germline): Likely pathogenic (1 of 4 stars; one submission).

Conditions:
Hereditary cancer-predisposing syndrome. Also called: Neoplastic Syndromes, Hereditary; Hereditary Cancer Syndrome; Hereditary neoplastic syndrome; Tumor predisposition. Identifiers: Orphanet 140162, MedGen C0027672, MeSH D009386, MONDO:0015356.

Submission:

Ambry Genetics
Classification: Likely pathogenic for Hereditary cancer-predisposing syndrome. Last evaluated: 2023-05-11. Review status: criteria provided, single submitter. Criteria: Ambry Variant Classification Scheme 2023. Collection method: clinical testing. Allele origin: germline.
Comment: The c.9256+2T>A intronic variant results from a T to A substitution two nucleotides after coding exon 23 in the BRCA2 gene. This nucleotide position is highly conserved in available vertebrate species. In silico splice site analysis predicts that this alteration will weaken the native splice donor site; however, direct evidence is insufficient at this time (Ambry internal data). Alterations that disrupt the canonical splice site are expected to cause aberrant splicing, resulting in an abnormal protein or a transcript that is subject to nonsense-mediated mRNA decay. As such, this alteration is classified as likely pathogenic.